The following is an entry in ClinVar:

NM_182914.3(SYNE2):c.20521C>T (p.Pro6841Ser)

Gene: SYNE2 (spectrin repeat containing nuclear envelope protein 2; plus strand). Cytogenetic location: 14q23.2.
Variant type: single nucleotide variant.
Coding change: c.20521C>T on transcript NM_182914.3 (MANE Select); coding-DNA position 20521, C replaced by T.
Protein change: p.Pro6841Ser; replaces proline 6841 with serine.
Molecular consequence: missense variant.
Genome position (GRCh38, 1-based): chr14:64,225,323, C>T. VCF-style: chr14-64225323-C-T. GRCh37 (hg19) VCF-style: chr14-64692041-C-T.
Other names: c.20455C>T, p.Pro6819Ser (NM_015180.6); c.1087C>T, p.Pro363Ser (NM_182910.2); c.1468C>T, p.Pro490Ser (NM_182913.4); short protein forms P363S, P6819S, P490S, P6841S.
Identifiers: ClinVar variation 1357331 (VCV001357331.8), dbSNP rs1356063795, ClinGen allele CA389983195.
Genomic context (GRCh38, chr14:64,225,323, plus strand): 5'-GAGTGGGTTGTGCCTGTGGAGCCTCCCAATCAGCTCTCAACCTCCTCTGTTGGCAGGGTC[C>T]CCGGCAGCACACGGCCACAGCGCTCCTTCCTCTCAAGGGTGGTCCGGGCAGCCCTACCCC-3'
Protein context (NP_878918.2, residues 6831-6851): EGEEETESRV[Pro6841Ser]GSTRPQRSFL

ClinVar aggregate classification (germline): Uncertain significance (1 of 4 stars; one submission).

Conditions:
Emery-Dreifuss muscular dystrophy 5, autosomal dominant (EDMD5). Also called: EMERY-DREIFUSS MUSCULAR DYSTROPHY 5. Identifiers: Orphanet 261, MedGen C2751805, MONDO:0013072, OMIM 612999.

Allele frequency attached by ClinVar (database versions not stated): gnomAD exomes below 0.00001.
gnomAD v4.1: 2 of 1,614,094 alleles (0.00012%); highest among the groups gnomAD compares: East Asian, 0.0022%; no homozygotes.

Submission:

Labcorp Genetics (formerly Invitae), Labcorp
Classification: Uncertain significance for Emery-Dreifuss muscular dystrophy 5, autosomal dominant. Last evaluated: 2021-06-21. Review status: criteria provided, single submitter. Criteria: Invitae Variant Classification Sherloc (09022015). Collection method: clinical testing. Allele origin: germline.
Comment: This sequence change replaces proline with serine at codon 6841 of the SYNE2 protein (p.Pro6841Ser). The proline residue is weakly conserved and there is a moderate physicochemical difference between proline and serine. This variant is not present in population databases (ExAC no frequency). In summary, the available evidence is currently insufficient to determine the role of this variant in disease. Therefore, it has been classified as a Variant of Uncertain Significance. Algorithms developed to predict the effect of missense changes on protein structure and function output the following: SIFT: "Tolerated"; PolyPhen-2: "Benign"; Align-GVGD: "Class C0". The serine amino acid residue is found in multiple mammalian species, suggesting that this missense change does not adversely affect protein function. These predictions have not been confirmed by published functional studies and their clinical significance is uncertain. This variant has not been reported in the literature in individuals with SYNE2-related conditions.